The following is an entry in ClinVar:

ClinVar aggregate classification (germline): Uncertain significance. Review status: criteria provided, multiple submitters, no conflicts (2 of 4 stars). 2 submissions from 2 submitters: Uncertain significance (2). Last evaluated 2023-12-09.

Conditions:
Inborn genetic diseases. Identifiers: MedGen C0950123, MeSH D030342.
Alzheimer disease. Also called: Alzheimer's disease; Presenile and senile dementia. Identifiers: Orphanet 1020, MedGen C0002395, MeSH D000544, MONDO:0004975, HP:0002511.

Allele frequency attached by ClinVar (database versions not stated): gnomAD exomes below 0.00001; TOPMed below 0.00001; gnomAD 0.00001.
gnomAD v4.1: 2 of 1,613,650 alleles (0.00012%); highest among the groups gnomAD compares: East Asian, 0.0022%; no homozygotes.

Submissions (2):

Ambry Genetics
Classification: Uncertain significance for Inborn genetic diseases. Last evaluated: 2023-12-09. Review status: criteria provided, single submitter. Criteria: Ambry Variant Classification Scheme 2023. Collection method: clinical testing. Allele origin: germline.

Labcorp Genetics (formerly Invitae), Labcorp
Classification: Uncertain significance for Alzheimer disease. Last evaluated: 2023-11-24. Review status: criteria provided, single submitter. Criteria: Invitae Variant Classification Sherloc (09022015). Collection method: clinical testing. Allele origin: germline.
Comment: This sequence change replaces arginine, which is basic and polar, with histidine, which is basic and polar, at codon 747 of the APP protein (p.Arg747His). This variant is not present in population databases (gnomAD no frequency). This variant has not been reported in the literature in individuals affected with APP-related conditions. Advanced modeling of protein sequence and biophysical properties (such as structural, functional, and spatial information, amino acid conservation, physicochemical variation, residue mobility, and thermodynamic stability) performed at Invitae indicates that this missense variant is expected to disrupt APP protein function with a positive predictive value of 95%. In summary, the available evidence is currently insufficient to determine the role of this variant in disease. Therefore, it has been classified as a Variant of Uncertain Significance.

NM_000484.4(APP):c.2240G>A (p.Arg747His)

Gene: APP (amyloid beta precursor protein; minus strand). Cytogenetic location: 21q21.3.
Variant type: single nucleotide variant.
Coding change: c.2240G>A on transcript NM_000484.4 (MANE Select); coding-DNA position 2240, G replaced by A.
Protein change: p.Arg747His; replaces arginine 747 with histidine.
Molecular consequence: missense variant.
Genome position (GRCh38, 1-based): chr21:25,881,743, C>T on the plus strand (G>A on the coding strand, the complement: APP is on the minus strand). VCF-style: chr21-25881743-C-T. GRCh37 (hg19) VCF-style: chr21-27254054-C-T.
Other names: c.2168G>A, p.Arg723His (NM_001136016.3); c.1847G>A, p.Arg616His (NM_001136129.3); c.2072G>A, p.Arg691His (NM_001136130.3, NM_001385253.1); c.1910G>A, p.Arg637His (NM_001136131.3); c.2186G>A, p.Arg729His (NM_001204301.2); c.2129G>A, p.Arg710His (NM_001204302.2); c.1961G>A, p.Arg654His (NM_001204303.2); c.2183G>A, p.Arg728His (NM_201413.3); and 2 more; short protein forms R729H, R654H, R616H, R672H, R691H, R728H, R747H, R637H.
Identifiers: ClinVar variation 2892919 (VCV002892919.4), dbSNP rs200396597, ClinGen allele CA319553165.